The following is an entry in ClinVar:

ClinVar aggregate classification (germline): Uncertain significance (1 of 4 stars; one submission).

Conditions:
Immunodeficiency 28 (IMD28). Also called: IFNGR2 DEFICIENCY. Identifiers: Orphanet 319547, Orphanet 319574, MedGen C4013947, MONDO:0013953, OMIM 614889.

gnomAD v4.1: 1 of 1,613,682 alleles (0.000062%); highest among the groups gnomAD compares: South Asian, 0.0011%; no homozygotes.

Submission:

Labcorp Genetics (formerly Invitae), Labcorp
Classification: Uncertain significance for Immunodeficiency 28. Last evaluated: 2025-06-24. Review status: criteria provided, single submitter. Criteria: Invitae Variant Classification Sherloc (09022015). Collection method: clinical testing. Allele origin: germline.
Comment: This sequence change replaces methionine, which is neutral and non-polar, with threonine, which is neutral and polar, at codon 238 of the IFNGR2 protein (p.Met238Thr). This variant is not present in population databases (gnomAD no frequency). This variant has not been reported in the literature in individuals affected with IFNGR2-related conditions. Invitae Evidence Modeling of protein sequence and biophysical properties (such as structural, functional, and spatial information, amino acid conservation, physicochemical variation, residue mobility, and thermodynamic stability) indicates that this missense variant is not expected to disrupt IFNGR2 protein function with a negative predictive value of 80%. In summary, the available evidence is currently insufficient to determine the role of this variant in disease. Therefore, it has been classified as a Variant of Uncertain Significance.

NM_005534.4(IFNGR2):c.713T>C (p.Met238Thr)

Gene: IFNGR2 (interferon gamma receptor 2; plus strand). Cytogenetic location: 21q22.11.
Variant type: single nucleotide variant.
Coding change: c.713T>C on transcript NM_005534.4 (MANE Select); coding-DNA position 713, T replaced by C.
Protein change: p.Met238Thr; replaces methionine 238 with threonine.
Molecular consequence: missense variant.
Genome position (GRCh38, 1-based): chr21:33,432,328, T>C. VCF-style: chr21-33432328-T-C. GRCh37 (hg19) VCF-style: chr21-34804635-T-C.
Other names: c.770T>C, p.Met257Thr (NM_001329128.2); short protein forms M238T, M257T.
Identifiers: ClinVar variation 4766868 (VCV004766868.1).